The following is an entry in ClinVar:

ClinVar aggregate classification (germline): Likely benign. Review status: criteria provided, multiple submitters, no conflicts (2 of 4 stars). 3 submissions from 2 submitters: Likely benign (3). Last evaluated 2025-07-22.

Conditions:
Melnick-Fraser syndrome (BOR). Also called: Branchiootorenal Syndrome (BORS); Branchiootorenal syndrome; Branchio-oto-renal syndrome. Identifiers: Orphanet 107, MedGen C0265234, MONDO:0007029.
Otofaciocervical syndrome 1 (OTFCS). Identifiers: MedGen C3714941, MONDO:0024532, OMIM 166780.
Branchiootic syndrome 1 (BOS1). Also called: BO SYNDROME 1; BRANCHIOOTIC DYSPLASIA. Identifiers: MedGen C1865143, MONDO:0011258, OMIM 602588.

Allele frequency attached by ClinVar (database versions not stated): TOPMed 0.00012; ESP Exome Variant Server 0.00038.
gnomAD v4.1: 129 of 1,612,160 alleles (0.008%); highest among the groups gnomAD compares: Non-Finnish European, 0.01%; no homozygotes.

Submissions (3):

Labcorp Genetics (formerly Invitae), Labcorp
Classification: Likely benign for Melnick-Fraser syndrome. Last evaluated: 2025-07-22. Review status: criteria provided, single submitter. Criteria: Invitae Variant Classification Sherloc (09022015). Collection method: clinical testing. Allele origin: germline.

Illumina Laboratory Services, Illumina
Classification: Likely benign for Branchiootic syndrome. Last evaluated: 2018-01-12. Review status: criteria provided, single submitter. Criteria: ICSL Variant Classification Criteria 13 December 2019. Collection method: clinical testing. Allele origin: germline.
Comment: This variant was observed in the ICSL laboratory as part of a predisposition screen in an ostensibly healthy population. It had not been previously curated by ICSL or reported in the Human Gene Mutation Database (HGMD: prior to June 1st, 2018), and was therefore a candidate for classification through an automated scoring system. Utilizing variant allele frequency, disease prevalence and penetrance estimates, and inheritance mode, an automated score was calculated to assess if this variant is too frequent to cause the disease. Based on the score and internal cut-off values, a variant classified as likely benign is not then subjected to further curation. The score for this variant resulted in a classification of likely benign for this disease.

Illumina Laboratory Services, Illumina
Classification: Likely benign for Otofaciocervical syndrome 1. Last evaluated: 2018-01-12. Review status: criteria provided, single submitter. Criteria: ICSL Variant Classification Criteria 13 December 2019. Collection method: clinical testing. Allele origin: germline.
Comment: the same text as in the submission from Illumina Laboratory Services, Illumina above.

NM_000503.6(EYA1):c.1475+15G>T

Gene: EYA1 (EYA transcriptional coactivator and phosphatase 1; minus strand). Cytogenetic location: 8q13.3.
Variant type: single nucleotide variant.
Coding change: c.1475+15G>T on transcript NM_000503.6 (MANE Select); 15 bases into the intron after coding-DNA position 1475, G replaced by T.
Molecular consequence: intron variant.
Genome position (GRCh38, 1-based): chr8:71,215,599, C>A on the plus strand (G>T on the coding strand, the complement: EYA1 is on the minus strand). VCF-style: chr8-71215599-C-A. GRCh37 (hg19) VCF-style: chr8-72127834-C-A.
Other names: c.1454+15G>T (NM_001370336.1); c.1562+15G>T (NM_001370333.1); c.1475+15G>T (NM_001370335.1, NM_001370334.1, NM_172058.4); c.1457+15G>T (NM_172059.5, NM_001288574.2); c.1109+15G>T (NM_001288575.2).
Identifiers: ClinVar variation 909501 (VCV000909501.8), dbSNP rs373917012, ClinGen allele CA4779450.